The following is an entry in ClinVar:

ClinVar aggregate classification (germline): Pathogenic (1 of 4 stars; one submission).

Submission:

Labcorp Genetics (formerly Invitae), Labcorp
Classification: Pathogenic. Last evaluated: 2022-10-04. Review status: criteria provided, single submitter. Criteria: Invitae Variant Classification Sherloc (09022015). Collection method: clinical testing. Allele origin: germline.
Comment: For these reasons, this variant has been classified as Pathogenic. This variant has not been reported in the literature in individuals affected with OSTM1-related conditions. This variant is not present in population databases (gnomAD no frequency). This sequence change creates a premature translational stop signal (p.Tyr188*) in the OSTM1 gene. It is expected to result in an absent or disrupted protein product. Loss-of-function variants in OSTM1 are known to be pathogenic (PMID: 12627228, 15108279, 16813530).

Literature cited by the submitters: PubMed 12627228; PubMed 15108279; PubMed 16813530.

NM_014028.4(OSTM1):c.564T>G (p.Tyr188Ter)

Gene: OSTM1 (osteoclastogenesis associated transmembrane protein 1; minus strand). Cytogenetic location: 6q21.
Variant type: single nucleotide variant.
Coding change: c.564T>G on transcript NM_014028.4 (MANE Select); coding-DNA position 564, T replaced by G.
Protein change: p.Tyr188Ter; replaces tyrosine 188 with a stop codon.
Molecular consequence: nonsense.
Genome position (GRCh38, 1-based): chr6:108,054,541, A>C on the plus strand (T>G on the coding strand, the complement: OSTM1 is on the minus strand). VCF-style: chr6-108054541-A-C. GRCh37 (hg19) VCF-style: chr6-108375745-A-C.
Other names: short protein forms Y188*.
Identifiers: ClinVar variation 2032896 (VCV002032896.4), dbSNP rs2482181910, ClinGen allele CA365327963.
Genomic context (GRCh38, chr6:108,054,541, plus strand): 5'-ATAAAATACCTGAAGGTTATGTTCAAAGCAGGTCAGGGTGTGATTAAATAGATTAAGGAA[A>C]TATACTGTGCTGTTTGATAATTCTTCACTGTTGTTTGTTAAACAATCTGTCAAAAAAATT-3'